The following is an entry in ClinVar:

NM_182961.4(SYNE1):c.4378G>T (p.Val1460Phe)

Gene: SYNE1 (spectrin repeat containing nuclear envelope protein 1; minus strand). Cytogenetic location: 6q25.2.
Variant type: single nucleotide variant.
Coding change: c.4378G>T on transcript NM_182961.4 (MANE Select); coding-DNA position 4378, G replaced by T.
Protein change: p.Val1460Phe; replaces valine 1460 with phenylalanine.
Molecular consequence: missense variant.
Genome position (GRCh38, 1-based): chr6:152,433,878, C>A on the plus strand (G>T on the coding strand, the complement: SYNE1 is on the minus strand). VCF-style: chr6-152433878-C-A. GRCh37 (hg19) VCF-style: chr6-152755013-C-A.
Other names: c.4399G>T, p.Val1467Phe (NM_033071.5); short protein forms V1460F, V1467F.
Identifiers: ClinVar variation 2107866 (VCV002107866.4), dbSNP rs376463379, ClinGen allele CA366143726.
Genomic context (GRCh38, chr6:152,433,878, plus strand): 5'-CCATGGCAGATGACGAAGTTTCCAAGGCATTGAGTTCTTTTTCTTTCTCAGTTATCCAGA[C>A]GGACAGAGTCTCAAAATTACTGCCAAAATGATCCCACTTGGTTTTCACCATTTCCATGGT-3'
Protein context (NP_892006.3, residues 1450-1470): HFGSNFETLS[Val1460Phe]WITEKEKELN

ClinVar aggregate classification (germline): Uncertain significance (1 of 4 stars; one submission).

Conditions:
Emery-Dreifuss muscular dystrophy 4, autosomal dominant (EDMD4). Also called: EMERY-DREIFUSS MUSCULAR DYSTROPHY 4 WITH VARIABLE FEATURES. Identifiers: Orphanet 261, MedGen C2751807, MONDO:0013071, OMIM 612998.
Autosomal recessive ataxia, Beauce type. Also called: SYNE1 Deficiency; Spinocerebellar ataxia, autosomal recessive 8; ATAXIA, RECESSIVE, OF BEAUCE; SYNE1-Related Autosomal Recessive Cerebellar Ataxia. Identifiers: Orphanet 88644, MedGen C1853116, MONDO:0012549, OMIM 610743.

Submission:

Labcorp Genetics (formerly Invitae), Labcorp
Classification: Uncertain significance for Emery-Dreifuss muscular dystrophy 4, autosomal dominant; Autosomal recessive ataxia, Beauce type. Last evaluated: 2022-03-09. Review status: criteria provided, single submitter. Criteria: Invitae Variant Classification Sherloc (09022015). Collection method: clinical testing. Allele origin: germline.
Comment: In summary, the available evidence is currently insufficient to determine the role of this variant in disease. Therefore, it has been classified as a Variant of Uncertain Significance. Algorithms developed to predict the effect of missense changes on protein structure and function are either unavailable or do not agree on the potential impact of this missense change (SIFT: "Deleterious"; PolyPhen-2: "Benign"; Align-GVGD: "Class C0"). This variant has not been reported in the literature in individuals affected with SYNE1-related conditions. This variant is not present in population databases (gnomAD no frequency). This sequence change replaces valine, which is neutral and non-polar, with phenylalanine, which is neutral and non-polar, at codon 1467 of the SYNE1 protein (p.Val1467Phe).